The following is an entry in ClinVar:

NM_001374736.1(DST):c.14380T>C (p.Leu4794=)

Gene: DST (dystonin; minus strand). Cytogenetic location: 6p12.1.
Variant type: single nucleotide variant.
Coding change: c.14380T>C on transcript NM_001374736.1 (MANE Select); coding-DNA position 14380, T replaced by C.
Protein change: p.Leu4794=; no amino-acid change (leucine 4794 retained).
Molecular consequence: synonymous variant.
Genome position (GRCh38, 1-based): chr6:56,560,354, A>G on the plus strand (T>C on the coding strand, the complement: DST is on the minus strand). VCF-style: chr6-56560354-A-G. GRCh37 (hg19) VCF-style: chr6-56425152-A-G.
Other names: c.8023T>C, p.Leu2675= (NM_001144769.5); c.7609T>C, p.Leu2537= (NM_001144770.2); c.14380T>C, p.Leu4794= (NM_001374722.1); c.13747T>C, p.Leu4583= (NM_001374729.1); c.7489T>C, p.Leu2497= (NM_001374730.1, NM_001386100.1, NM_183380.4); c.14407T>C, p.Leu4803= (NM_001374734.1); c.6511T>C, p.Leu2171= (NM_015548.5).
Identifiers: ClinVar variation 2927319 (VCV002927319.3), dbSNP rs954079201, ClinGen allele CA139209346.
Genomic context (GRCh38, chr6:56,560,354, plus strand): 5'-CTATTTCTGTCAACATCTGTTTCCATCTGGGGGCCTCAGGAGTATCTGGGTTCTCCTCCA[A>G]CAGCTCTGTCAATTTGTCTTTCAACTCCTGTACTTTGTTTACATTCTGCTTCAGTTCTGC-3'
Protein context (NP_001361665.1, residues 4784-4804): QELKDKLTEL[Leu4794=]EENPDTPEAP

ClinVar aggregate classification (germline): Uncertain significance (1 of 4 stars; one submission).

Conditions:
Hereditary sensory and autonomic neuropathy type 6. Also called: HSAN VI; Neuropathy, hereditary sensory and autonomic, type VI. Identifiers: Orphanet 314381, MedGen C3539003, MONDO:0013839, OMIM 614653.
Epidermolysis bullosa simplex 3, localized or generalized intermediate, with BP230 deficiency (EBS3). Also called: Epidermolysis bullosa simplex, autosomal recessive 2; Epidermolysis bullosa simplex due to BP230 deficiency. Identifiers: Orphanet 412181, MedGen C3809470, MONDO:0014180, OMIM 615425.

Allele frequency attached by ClinVar (database versions not stated): gnomAD 0.00001.
gnomAD v4.1: 10 of 1,609,812 alleles (0.00062%); highest among the groups gnomAD compares: East Asian, 0.013%; no homozygotes.

Submission:

Labcorp Genetics (formerly Invitae), Labcorp
Classification: Uncertain significance for Epidermolysis bullosa simplex 3, localized or generalized intermediate, with BP230 deficiency; Hereditary sensory and autonomic neuropathy type 6. Last evaluated: 2023-08-02. Review status: criteria provided, single submitter. Criteria: Invitae Variant Classification Sherloc (09022015). Collection method: clinical testing. Allele origin: germline.
Comment: This variant has not been reported in the literature in individuals affected with DST-related conditions. This variant is present in population databases (no rsID available, gnomAD 0.01%). This sequence change affects codon 2171 of the DST mRNA. It is a 'silent' change, meaning that it does not change the encoded amino acid sequence of the DST protein. The DST gene has multiple clinically relevant transcripts. This variant occurs in alternate transcript NM_015548.4, and corresponds to NM_001723.5:c.*55163T>C in the primary transcript. In summary, the available evidence is currently insufficient to determine the role of this variant in disease. Therefore, it has been classified as a Variant of Uncertain Significance. Experimental studies and prediction algorithms are not available or were not evaluated, and the effect of this variant on mRNA splicing is currently unknown.